The following is an entry in ClinVar:

NM_001184.4(ATR):c.2886A>T (p.Gln962His)

Gene: ATR (ATR checkpoint kinase; minus strand). Cytogenetic location: 3q23.
Variant type: single nucleotide variant.
Coding change: c.2886A>T on transcript NM_001184.4 (MANE Select); coding-DNA position 2886, A replaced by T.
Protein change: p.Gln962His; replaces glutamine 962 with histidine.
Molecular consequence: missense variant.
Genome position (GRCh38, 1-based): chr3:142,550,222, T>A on the plus strand (A>T on the coding strand, the complement: ATR is on the minus strand). VCF-style: chr3-142550222-T-A. GRCh37 (hg19) VCF-style: chr3-142269064-T-A.
Other names: c.2694A>T, p.Gln898His (NM_001354579.2); short protein forms Q962H, Q898H.
Identifiers: ClinVar variation 1797223 (VCV001797223.6), dbSNP rs763768484, ClinGen allele CA2650251.
Genomic context (GRCh38, chr3:142,550,222, plus strand): 5'-GAAAACGTTGGCAATTTCAGACAACGTATTTAAAGCCATTTCTCTCTGGTGAGCCACATC[T>A]TGTTTTCGCACGTCAGCATTCTGGCATGGAGTATTCGGAAGTGCTGTCATCTGACTAGAG-3'
Protein context (NP_001175.2, residues 952-972): TPCQNADVRK[Gln962His]DVAHQREMAL

ClinVar aggregate classification (germline): Uncertain significance. Review status: criteria provided, multiple submitters, no conflicts (2 of 4 stars). 2 submissions from 2 submitters: Uncertain significance (2). Last evaluated 2024-05-31.

Conditions:
Inborn genetic diseases. Identifiers: MedGen C0950123, MeSH D030342.

Allele frequency attached by ClinVar (database versions not stated): TOPMed below 0.00001; ExAC 0.00001.
gnomAD v4.1: 4 of 1,614,204 alleles (0.00025%); highest among the groups gnomAD compares: Non-Finnish European, 0.00034%; no homozygotes.

Submissions (2):

Ambry Genetics
Classification: Uncertain significance for Inborn genetic diseases. Last evaluated: 2024-05-31. Review status: criteria provided, single submitter. Criteria: Ambry Variant Classification Scheme 2023. Collection method: clinical testing. Allele origin: germline.
Comment: The p.Q962H variant (also known as c.2886A>T), located in coding exon 14 of the ATR gene, results from an A to T substitution at nucleotide position 2886. The glutamine at codon 962 is replaced by histidine, an amino acid with highly similar properties. This amino acid position is conserved. In addition, this alteration is predicted to be tolerated by in silico analysis. Since supporting evidence is limited at this time, the clinical significance of this alteration remains unclear.

Labcorp Genetics (formerly Invitae), Labcorp
Classification: Uncertain significance. Last evaluated: 2024-02-08. Review status: criteria provided, single submitter. Criteria: Invitae Variant Classification Sherloc (09022015). Collection method: clinical testing. Allele origin: germline.
Comment: This sequence change replaces glutamine, which is neutral and polar, with histidine, which is basic and polar, at codon 962 of the ATR protein (p.Gln962His). This variant is present in population databases (rs763768484, gnomAD 0.0009%). This variant has not been reported in the literature in individuals affected with ATR-related conditions. ClinVar contains an entry for this variant (Variation ID: 1797223). An algorithm developed to predict the effect of missense changes on protein structure and function (PolyPhen-2) suggests that this variant is likely to be disruptive. In summary, the available evidence is currently insufficient to determine the role of this variant in disease. Therefore, it has been classified as a Variant of Uncertain Significance.